The following is an entry in ClinVar:

ClinVar aggregate classification (germline): Benign/Likely benign. Review status: criteria provided, multiple submitters, no conflicts (2 of 4 stars). 3 submissions from 2 submitters: Benign (2); Likely benign (1). Last evaluated 2021-10-02.

Conditions:
Susceptibility to mononeuropathy of the median nerve, mild. Also called: CARPAL TUNNEL SYNDROME, SUSCEPTIBILITY TO. Identifiers: MedGen C3150596, MONDO:0013237, OMIM 613353.
Charcot-Marie-Tooth disease type 4C (CMT4C). Also called: CHARCOT-MARIE-TOOTH DISEASE, DEMYELINATING, AUTOSOMAL RECESSIVE, TYPE 4C; CMT 4C; Charcot-Marie-Tooth Neuropathy Type 4C (CMT4C); CHARCOT-MARIE-TOOTH DISEASE, DEMYELINATING, TYPE 4C; SH3TC2-Related Hereditary Motor and Sensory Neuropathy. Identifiers: Orphanet 99949, MedGen C1866636, MONDO:0011113, OMIM 601596.

Allele frequency attached by ClinVar (database versions not stated): TOPMed 0.00843; 1000 Genomes Project 30x 0.01093; 1000 Genomes Project 0.01098.
gnomAD v4.1: 1,191 of 152,250 alleles (0.78%); highest among the groups gnomAD compares: African/African-American, 2.7%; 14 homozygotes.

Submissions (3):

GeneDx
Classification: Likely benign. Last evaluated: 2021-10-02. Review status: criteria provided, single submitter. Criteria: GeneDx Variant Classification Process June 2021. Collection method: clinical testing. Allele origin: germline. Affected: yes.

Illumina Laboratory Services, Illumina
Classification: Benign for Charcot-Marie-Tooth disease type 4C. Last evaluated: 2018-01-12. Review status: criteria provided, single submitter. Criteria: ICSL Variant Classification Criteria 13 December 2019. Collection method: clinical testing. Allele origin: germline.
Comment: This variant was observed in the ICSL laboratory as part of a predisposition screen in an ostensibly healthy population. It had not been previously curated by ICSL or reported in the Human Gene Mutation Database (HGMD: prior to June 1st, 2018), and was therefore a candidate for classification through an automated scoring system. Utilizing variant allele frequency, disease prevalence and penetrance estimates, and inheritance mode, an automated score was calculated to assess if this variant is too frequent to cause the disease. Based on the score and internal cut-off values, a variant classified as benign is not then subjected to further curation. The score for this variant resulted in a classification of benign for this disease.

Illumina Laboratory Services, Illumina
Classification: Benign for Susceptibility to mononeuropathy of the median nerve, mild. Last evaluated: 2018-01-12. Review status: criteria provided, single submitter. Criteria: ICSL Variant Classification Criteria 13 December 2019. Collection method: clinical testing. Allele origin: germline.
Comment: the same text as in the submission from Illumina Laboratory Services, Illumina above.

NM_024577.4(SH3TC2):c.*6510G>A

Gene: SH3TC2 (SH3 domain and tetratricopeptide repeats 2; minus strand). Cytogenetic location: 5q32.
Variant type: single nucleotide variant.
Coding change: c.*6510G>A on transcript NM_024577.4 (MANE Select); 6510 bases downstream of the stop codon, G replaced by A.
Molecular consequence: 3 prime UTR variant.
Genome position (GRCh38, 1-based): chr5:148,998,201, C>T on the plus strand (G>A on the coding strand, the complement: SH3TC2 is on the minus strand). VCF-style: chr5-148998201-C-T. GRCh37 (hg19) VCF-style: chr5-148377764-C-T.
Identifiers: ClinVar variation 351787 (VCV000351787.6), dbSNP rs116056843, ClinGen allele CA10619521.